The following is an entry in ClinVar:

NM_017882.3(CLN6):c.593C>G (p.Thr198Ser)

Gene: CLN6 (CLN6 transmembrane ER protein; minus strand). Cytogenetic location: 15q23.
Variant type: single nucleotide variant.
Coding change: c.593C>G on transcript NM_017882.3 (MANE Select); coding-DNA position 593, C replaced by G.
Protein change: p.Thr198Ser; replaces threonine 198 with serine.
Molecular consequence: missense variant.
Genome position (GRCh38, 1-based): chr15:68,209,709, G>C on the plus strand (C>G on the coding strand, the complement: CLN6 is on the minus strand). VCF-style: chr15-68209709-G-C. GRCh37 (hg19) VCF-style: chr15-68502047-G-C.
Other names: short protein forms T198S.
Identifiers: ClinVar variation 835676 (VCV000835676.5), dbSNP rs777459938, ClinGen allele CA7630527.
Genomic context (GRCh38, chr15:68,209,709, plus strand): 5'-CCACTGGGTGCCACCAGGAGCAGGGCAGGCCCTGGAATCAAGCTCTCAGCTTTAGAGGCA[G>C]TAAAGCAGCCGCTGAAGTACATGAAGAGGATGAGGAAGAAGGGGATGTACCTGTGACAGG-3'
Protein context (NP_060352.1, residues 188-208): ILFMYFSGCF[Thr198Ser]ASKAESLIPG

ClinVar aggregate classification (germline): Uncertain significance. Review status: criteria provided, multiple submitters, no conflicts (2 of 4 stars). 2 submissions from 2 submitters: Uncertain significance (2). Last evaluated 2024-07-16.

Conditions:
Neuronal ceroid lipofuscinosis. Also called: Neuronal Ceroid Lipofuscinoses. Identifiers: Orphanet 216, Orphanet 79263, MedGen C0027877, MONDO:0016295. Disease mechanism: loss of function.

Allele frequency attached by ClinVar (database versions not stated): gnomAD 0.00001; gnomAD exomes 0.00001; TOPMed 0.00001; ExAC 0.00002.
gnomAD v4.1: 25 of 1,613,716 alleles (0.0015%); highest among the groups gnomAD compares: Non-Finnish European, 0.002%; no homozygotes.

Submissions (2):

Blueprint Genetics
Classification: Uncertain significance. Last evaluated: 2024-07-16. Review status: criteria provided, single submitter. Criteria: ACMG Guidelines, 2015. Collection method: clinical testing. Allele origin: germline.

Labcorp Genetics (formerly Invitae), Labcorp
Classification: Uncertain significance for Neuronal ceroid lipofuscinosis. Last evaluated: 2022-07-06. Review status: criteria provided, single submitter. Criteria: Invitae Variant Classification Sherloc (09022015). Collection method: clinical testing. Allele origin: germline.
Comment: This sequence change replaces threonine, which is neutral and polar, with serine, which is neutral and polar, at codon 198 of the CLN6 protein (p.Thr198Ser). This variant is present in population databases (rs777459938, gnomAD 0.003%). This variant has not been reported in the literature in individuals affected with CLN6-related conditions. ClinVar contains an entry for this variant (Variation ID: 835676). Algorithms developed to predict the effect of missense changes on protein structure and function (SIFT, PolyPhen-2, Align-GVGD) all suggest that this variant is likely to be tolerated. In summary, the available evidence is currently insufficient to determine the role of this variant in disease. Therefore, it has been classified as a Variant of Uncertain Significance.